The following is an entry in ClinVar:

ClinVar aggregate classification (germline): Pathogenic/Likely pathogenic. Review status: criteria provided, multiple submitters, no conflicts (2 of 4 stars). 7 submissions from 7 submitters: Pathogenic (6); Likely pathogenic (1). Last evaluated 2025-08-29.

Conditions:
Inborn genetic diseases. Identifiers: MedGen C0950123, MeSH D030342.
Intellectual disability-severe speech delay-mild dysmorphism syndrome (IDDLA). Also called: Intellectual developmental disorder with language impairment AND with or without autistic features; FOXP1 Syndrome; Mental retardation with language impairment and autistic features. Identifiers: Orphanet 391372, MedGen C4013764, MONDO:0013352, OMIM 613670.
FOXP1-related disorders.

Allele frequency attached by ClinVar (database versions not stated): gnomAD exomes below 0.00001.
gnomAD v4.1: 2 of 1,613,784 alleles (0.00012%); highest among the groups gnomAD compares: African/African-American, 0.0013%; no homozygotes.

Submissions (7):

Labcorp Genetics (formerly Invitae), Labcorp
Classification: Pathogenic. Last evaluated: 2025-08-29. Review status: criteria provided, single submitter. Criteria: Invitae Variant Classification Sherloc (09022015). Collection method: clinical testing. Allele origin: germline.
Comment: This sequence change affects a donor splice site in intron 14 of the FOXP1 gene. It is expected to disrupt RNA splicing. Variants that disrupt the donor or acceptor splice site typically lead to a loss of protein function (PMID: 16199547), and loss-of-function variants in FOXP1 are known to be pathogenic (PMID: 28735298). This variant is not present in population databases (gnomAD no frequency). Disruption of this splice site has been observed in individual(s) with FOXP1-related conditions (PMID: 25533962, 34109629). In at least one individual the variant was observed to be de novo. This variant is also known as 71037144 C/T. ClinVar contains an entry for this variant (Variation ID: 691271). Algorithms developed to predict the effect of sequence changes on RNA splicing suggest that this variant may disrupt the consensus splice site. For these reasons, this variant has been classified as Pathogenic.

Ambry Genetics
Classification: Pathogenic for Inborn genetic diseases. Last evaluated: 2024-06-27. Review status: criteria provided, single submitter. Criteria: Ambry Variant Classification Scheme 2023. Collection method: clinical testing. Allele origin: germline.
Comment: The c.1146+1G>A intronic variant results from a G to A substitution one nucleotide after coding exon 9 of the FOXP1 gene. Alterations that disrupt the canonical splice site are expected to result in aberrant splicing. The resulting transcript is predicted to be in-frame and is not expected to trigger nonsense-mediated mRNAdecay; however, direct evidence is unavailable. The exact functional effect of the altered amino acid sequence is unknown. This variant was not reported in population-based cohorts in the Genome Aggregation Database (gnomAD). This alteration was reported as a de novo occurrence in two individuals with features consistent with FOXP1-related neurodevelopmental disorder (Braden, 2021; DECIPHER). This nucleotide position is highly conserved in available vertebrate species. In silico splice site analysis predicts that this alteration will weaken the native splice donor site. Based on the available evidence, this alteration is classified as pathogenic.

Blueprint Genetics
Classification: Likely pathogenic for FOXP1-related disorders. Last evaluated: 2024-02-20. Review status: criteria provided, single submitter. Criteria: ACMG Guidelines, 2015. Collection method: clinical testing. Allele origin: de novo. Affected: yes. Observed: 1 variant allele.

GeneDx
Classification: Pathogenic. Last evaluated: 2022-08-13. Review status: criteria provided, single submitter. Criteria: GeneDx Variant Classification Process June 2021. Collection method: clinical testing. Allele origin: germline. Affected: yes.
Comment: Canonical splice site variant expected to result in aberrant splicing, although in the absence of functional evidence the actual effect of this sequence change is unknown.; Not observed at significant frequency in large population cohorts (gnomAD); This variant is associated with the following publications: (PMID: 28191890, 28135719, 25533962, 34109629, 31785789)

Provincial Medical Genetics Program of British Columbia, University of British Columbia
Classification: Pathogenic for Intellectual disability-severe speech delay-mild dysmorphism syndrome. Last evaluated: 2022-01-01. Review status: criteria provided, single submitter. Criteria: ACMG Guidelines, 2015. Collection method: clinical testing. Allele origin: de novo. Affected: yes.

Institute of Medical Genetics and Applied Genomics, University Hospital Tübingen
Classification: Pathogenic. Last evaluated: 2021-06-17. Review status: criteria provided, single submitter. Criteria: ACMG Guidelines, 2015. Collection method: clinical testing. Allele origin: germline. Inheritance: Autosomal dominant inheritance. Affected: yes.

Department of Genetics, Rouen University Hospital, Normandy Center for Genomic and Personalized Medicine
Classification: Pathogenic for Intellectual disability-severe speech delay-mild dysmorphism syndrome. Last evaluated: 2018-07-05. Review status: criteria provided, single submitter. Criteria: ACMG Guidelines, 2015. Collection method: clinical testing. Allele origin: de novo. Affected: yes.

Literature cited by the submitters: PubMed 16199547 (cited by Labcorp Genetics (formerly Invitae), Labcorp); PubMed 28735298 (cited by Labcorp Genetics (formerly Invitae), Labcorp); PubMed 25533962 (cited by Labcorp Genetics (formerly Invitae), Labcorp); PubMed 34109629 (cited by Labcorp Genetics (formerly Invitae), Labcorp and Ambry Genetics).

NM_001349338.3(FOXP1):c.1146+1G>A

Gene: FOXP1 (forkhead box P1; minus strand). Cytogenetic location: 3p13.
Variant type: single nucleotide variant.
Coding change: c.1146+1G>A on transcript NM_001349338.3 (MANE Select); the canonical splice donor site of the intron after coding-DNA position 1146, G replaced by A.
Molecular consequence: splice donor variant.
Genome position (GRCh38, 1-based): chr3:70,987,993, C>T on the plus strand (G>A on the coding strand, the complement: FOXP1 is on the minus strand). VCF-style: chr3-70987993-C-T. GRCh37 (hg19) VCF-style: chr3-71037144-C-T.
Other names: c.1146+1G>A (NM_001244810.2, NM_032682.6, NM_001349340.3 and 3 more transcripts); c.1143+1G>A (NM_001349341.3); c.918+1G>A (NM_001244812.3); c.843+1G>A (NM_001349343.3, NM_001349337.2, NM_001349344.3); c.846+1G>A (NM_001349342.3, NM_001370548.1, NM_001244815.2 and 1 more transcripts).
Identifiers: ClinVar variation 691271 (VCV000691271.13), dbSNP rs1559650552, ClinGen allele CA353494582.